The following is an entry in ClinVar:

ClinVar aggregate classification (germline): Uncertain significance. Review status: criteria provided, multiple submitters, no conflicts (2 of 4 stars). 4 submissions from 4 submitters: Uncertain significance (4). Last evaluated 2025-05-27.

Conditions:
Hereditary cancer-predisposing syndrome. Also called: Neoplastic Syndromes, Hereditary; Tumor predisposition; Hereditary neoplastic syndrome; Hereditary Cancer Syndrome. Identifiers: Orphanet 140162, MedGen C0027672, MeSH D009386, MONDO:0015356.
Juvenile polyposis syndrome (JPS). Identifiers: Orphanet 2929, MedGen C0345893, MONDO:0017380, OMIM 174900.

Submissions (4):

Ambry Genetics
Classification: Uncertain significance for Hereditary cancer-predisposing syndrome. Last evaluated: 2025-05-27. Review status: criteria provided, single submitter. Criteria: Ambry Variant Classification Scheme 2023. Collection method: clinical testing. Allele origin: germline.
Comment: The p.V450L variant (also known as c.1348G>T), located in coding exon 10 of the BMPR1A gene, results from a G to T substitution at nucleotide position 1348. The valine at codon 450 is replaced by leucine, an amino acid with highly similar properties. This amino acid position is well conserved in available vertebrate species. In addition, the in silico prediction for this alteration is inconclusive. Based on the available evidence, the clinical significance of this variant remains unclear.

All of Us Research Program, National Institutes of Health
Classification: Uncertain significance for Juvenile polyposis syndrome. Last evaluated: 2023-08-28. Review status: criteria provided, single submitter. Criteria: ACMG Guidelines, 2015. Collection method: clinical testing. Allele origin: germline. Inheritance: Autosomal dominant inheritance. Observed: 1 variant allele, 1 heterozygote.
Comment: This missense variant replaces valine with leucine at codon 450 of the BMPR1A protein. Computational prediction suggests that this variant may not impact protein structure and function (internally defined REVEL score threshold <= 0.5, PMID: 27666373). To our knowledge, functional studies have not been reported for this variant. This variant has not been reported in individuals affected with BMPR1A-related disorders in the literature. This variant has not been identified in the general population by the Genome Aggregation Database (gnomAD). The available evidence is insufficient to determine the role of this variant in disease conclusively. Therefore, this variant is classified as a Variant of Uncertain Significance.

This study involves interpretation of variants in research participants for the purpose of population health screening. Participant phenotype was not available at the time of variant classification. Additional details can be found in publication PMID: 35346344, PMCID: PMC8962531

Color Diagnostics, LLC DBA Color Health
Classification: Uncertain significance for Hereditary cancer-predisposing syndrome. Last evaluated: 2023-08-16. Review status: criteria provided, single submitter. Criteria: ACMG Guidelines, 2015. Collection method: clinical testing. Allele origin: germline.
Comment: This missense variant replaces valine with leucine at codon 450 of the BMPR1A protein. Computational prediction suggests that this variant may not impact protein structure and function. To our knowledge, functional studies have not been reported for this variant. This variant has not been reported in individuals affected with BMPR1A-related disorders in the literature. This variant has not been identified in the general population by the Genome Aggregation Database (gnomAD). The available evidence is insufficient to determine the role of this variant in disease conclusively. Therefore, this variant is classified as a Variant of Uncertain Significance.

Labcorp Genetics (formerly Invitae), Labcorp
Classification: Uncertain significance for Juvenile polyposis syndrome. Last evaluated: 2021-03-11. Review status: criteria provided, single submitter. Criteria: Invitae Variant Classification Sherloc (09022015). Collection method: clinical testing. Allele origin: germline.
Comment: In summary, the available evidence is currently insufficient to determine the role of this variant in disease. Therefore, it has been classified as a Variant of Uncertain Significance. Advanced modeling of protein sequence and biophysical properties (such as structural, functional, and spatial information, amino acid conservation, physicochemical variation, residue mobility, and thermodynamic stability) performed at Invitae indicates that this missense variant is not expected to disrupt BMPR1A protein function. This variant has not been reported in the literature in individuals with BMPR1A-related conditions. This variant is not present in population databases (ExAC no frequency). This sequence change replaces valine with leucine at codon 450 of the BMPR1A protein (p.Val450Leu). The valine residue is highly conserved and there is a small physicochemical difference between valine and leucine.

NM_004329.3(BMPR1A):c.1348G>T (p.Val450Leu)

Gene: BMPR1A (bone morphogenetic protein receptor type 1A; plus strand). Cytogenetic location: 10q23.2.
Variant type: single nucleotide variant.
Coding change: c.1348G>T on transcript NM_004329.3 (MANE Select); coding-DNA position 1348, G replaced by T.
Protein change: p.Val450Leu; replaces valine 450 with leucine.
Molecular consequence: missense variant.
Genome position (GRCh38, 1-based): chr10:86,923,381, G>T. VCF-style: chr10-86923381-G-T. GRCh37 (hg19) VCF-style: chr10-88683138-G-T.
Other names: c.1348G>T (NM_004329.2); short protein forms V450L.
Identifiers: ClinVar variation 1492111 (VCV001492111.10), dbSNP rs55932635, ClinGen allele CA377462623.
Genomic context (GRCh38, chr10:86,923,381, plus strand): 5'-GGTATATCTTGTCCAGCAACCATTTTTGTGCCCATGTTTTCTCATTCCCTTATAGGGATC[G>T]TGGAAGAATACCAATTGCCATATTACAACATGGTACCGAGTGATCCGTCATACGAAGATA-3'
Protein context (NP_004320.2, residues 440-460): MARRCITGGI[Val450Leu]EEYQLPYYNM